The following is an entry in ClinVar:

ClinVar aggregate classification (germline): Uncertain significance (1 of 4 stars; one submission).

Conditions:
Sialuria. Also called: SIALURIA, FRENCH TYPE; Sialic Acid Storage Disease. Identifiers: Orphanet 3166, MedGen C0342853, MONDO:0010028, OMIM 269921.
GNE myopathy (NM). Also called: INCLUSION BODY MYOPATHY, HEREDITARY, AUTOSOMAL RECESSIVE; INCLUSION BODY MYOPATHY 2, AUTOSOMAL RECESSIVE; MYOPATHY, DISTAL, WITH OR WITHOUT RIMMED VACUOLES; NONAKA DISTAL MYOPATHY; IBM 2; Inclusion body myopathy autosomal recessive. Identifiers: Orphanet 602, MedGen C1853926, MONDO:0011603, OMIM 605820.

gnomAD v4.1: 6 of 1,614,088 alleles (0.00037%); highest among the groups gnomAD compares: Non-Finnish European, 0.00051%; no homozygotes.

Submission:

Labcorp Genetics (formerly Invitae), Labcorp
Classification: Uncertain significance for Sialuria; GNE myopathy. Last evaluated: 2024-08-28. Review status: criteria provided, single submitter. Criteria: Invitae Variant Classification Sherloc (09022015). Collection method: clinical testing. Allele origin: germline.
Comment: This sequence change replaces glutamic acid, which is acidic and polar, with alanine, which is neutral and non-polar, at codon 586 of the GNE protein (p.Glu586Ala). This variant is present in population databases (rs200212703, gnomAD 0.002%). This variant has not been reported in the literature in individuals affected with GNE-related conditions. Invitae Evidence Modeling of protein sequence and biophysical properties (such as structural, functional, and spatial information, amino acid conservation, physicochemical variation, residue mobility, and thermodynamic stability) has been performed for this missense variant. However, the output from this modeling did not meet the statistical confidence thresholds required to predict the impact of this variant on GNE protein function. In summary, the available evidence is currently insufficient to determine the role of this variant in disease. Therefore, it has been classified as a Variant of Uncertain Significance.

NM_005476.7(GNE):c.1664A>C (p.Glu555Ala)

Gene: GNE (glucosamine (UDP-N-acetyl)-2-epimerase/N-acetylmannosamine kinase; minus strand). Cytogenetic location: 9p13.3.
Variant type: single nucleotide variant.
Coding change: c.1664A>C on transcript NM_005476.7 (MANE Select); coding-DNA position 1664, A replaced by C.
Protein change: p.Glu555Ala; replaces glutamic acid 555 with alanine.
Molecular consequence: missense variant.
Genome position (GRCh38, 1-based): chr9:36,219,990, T>G on the plus strand (A>C on the coding strand, the complement: GNE is on the minus strand). VCF-style: chr9-36219990-T-G. GRCh37 (hg19) VCF-style: chr9-36219987-T-G.
Other names: c.1757A>C, p.Glu586Ala (NM_001128227.3); c.1442A>C, p.Glu481Ala (NM_001190383.3); c.1334A>C, p.Glu445Ala (NM_001190384.3); c.1487A>C, p.Glu496Ala (NM_001190388.2, NM_001374798.1); c.1511A>C, p.Glu504Ala (NM_001374797.1); short protein forms E445A, E481A, E496A, E504A, E555A, E586A.
Identifiers: ClinVar variation 3761920 (VCV003761920.2).
Genomic context (GRCh38, chr9:36,219,990, plus strand): 5'-TCCAGAGACACAACAAGGTGGCCCAGTTCTGCAGCACAGAAGGAGCTTCCGTGGATCAAT[T>G]CATGCTGATGGATAATTCCACCACCGATTCCTACAGCGAGGGATAGAAATCACTGAGGGT-3'
Protein context (NP_005467.1, residues 545-565): GIGGGIIHQH[Glu555Ala]LIHGSSFCAA